The following is an entry in ClinVar:

NM_139027.6(ADAMTS13):c.3653G>A (p.Arg1218His)

Gene: ADAMTS13 (ADAM metallopeptidase with thrombospondin type 1 motif 13; plus strand). Cytogenetic location: 9q34.2.
Variant type: single nucleotide variant.
Coding change: c.3653G>A on transcript NM_139027.6 (MANE Select); coding-DNA position 3653, G replaced by A.
Protein change: p.Arg1218His; replaces arginine 1218 with histidine.
Molecular consequence: missense variant. On other transcripts: non-coding transcript variant (1).
Genome position (GRCh38, 1-based): chr9:133,456,648, G>A. VCF-style: chr9-133456648-G-A. GRCh37 (hg19) VCF-style: chr9-136321770-G-A.
Other names: p.Arg1274His; c.3821G>A, p.Arg1274His (NM_139025.5); c.3560G>A, p.Arg1187His (NM_139026.6); short protein forms R1187H, R1218H, R1274H.
Identifiers: ClinVar variation 3379931 (VCV003379931.1).

ClinVar aggregate classification (germline): Uncertain significance (1 of 4 stars; one submission).

gnomAD v4.1: 10 of 1,605,604 alleles (0.00062%); highest among the groups gnomAD compares: South Asian, 0.0033%; no homozygotes.

Submission:

Mayo Clinic Laboratories, Mayo Clinic
Classification: Uncertain significance. Last evaluated: 2024-03-20. Review status: criteria provided, single submitter. Criteria: ACMG Guidelines, 2015. Collection method: clinical testing. Allele origin: germline. Observed: 1 variant allele.
Comment: BP4